The following is an entry in ClinVar:

NM_000051.4(ATM):c.429C>T (p.Asn143=)

Gene: ATM (ATM serine/threonine kinase; plus strand). Cytogenetic location: 11q22.3.
Variant type: single nucleotide variant.
Coding change: c.429C>T on transcript NM_000051.4 (MANE Select); coding-DNA position 429, C replaced by T.
Protein change: p.Asn143=; no amino-acid change (asparagine 143 retained).
Molecular consequence: synonymous variant.
Genome position (GRCh38, 1-based): chr11:108,235,767, C>T. VCF-style: chr11-108235767-C-T. GRCh37 (hg19) VCF-style: chr11-108106494-C-T.
Other names: c.429C>T, p.Asn143= (NM_001351834.2).
Identifiers: ClinVar variation 453511 (VCV000453511.12), dbSNP rs1416280463, ClinGen allele CA476670393.

ClinVar aggregate classification (germline): Benign/Likely benign. Review status: criteria provided, multiple submitters, no conflicts (2 of 4 stars). 4 submissions from 4 submitters: Benign (1); Likely benign (3). Last evaluated 2025-08-10.

Conditions:
Hereditary cancer-predisposing syndrome. Also called: Tumor predisposition; Hereditary Cancer Syndrome; Neoplastic Syndromes, Hereditary; Hereditary neoplastic syndrome. Identifiers: Orphanet 140162, MedGen C0027672, MeSH D009386, MONDO:0015356.
Familial cancer of breast. Also called: Hereditary breast cancer; hereditary breast carcinoma; BREAST CANCER, FAMILIAL. Identifiers: Orphanet 227535, MedGen C0346153, MONDO:0016419, OMIM 114480. Disease mechanism: loss of function.
Ataxia-telangiectasia syndrome (AT). Also called: Cerebello-oculocutaneous telangiectasia; Immunodeficiency with ataxia telangiectasia; Ataxia-telangiectasia, complementation group D; AT, COMPLEMENTATION GROUP C; Ataxia-telangiectasia, complementation group E; LOUIS-BAR SYNDROME. Identifiers: Orphanet 100, MedGen C0004135, MONDO:0008840, OMIM 208900.

Allele frequency attached by ClinVar (database versions not stated): gnomAD exomes below 0.00001.
gnomAD v4.1: 1 of 1,613,660 alleles (0.000062%); highest among the groups gnomAD compares: Admixed American, 0.0017%; no homozygotes.

Submissions (4):

Labcorp Genetics (formerly Invitae), Labcorp
Classification: Likely benign for Ataxia-telangiectasia syndrome. Last evaluated: 2025-08-10. Review status: criteria provided, single submitter. Criteria: Invitae Variant Classification Sherloc (09022015). Collection method: clinical testing. Allele origin: germline.

Ambry Genetics
Classification: Likely benign for Hereditary cancer-predisposing syndrome. Last evaluated: 2024-12-13. Review status: criteria provided, single submitter. Criteria: Ambry Variant Classification Scheme 2023. Collection method: clinical testing. Allele origin: germline.

Color Diagnostics, LLC DBA Color Health
Classification: Likely benign for Hereditary cancer-predisposing syndrome. Last evaluated: 2024-10-28. Review status: criteria provided, single submitter. Criteria: ACMG Guidelines, 2015. Collection method: clinical testing. Allele origin: germline.

Myriad Genetics, Inc.
Classification: Benign for Familial cancer of breast. Last evaluated: 2024-04-19. Review status: criteria provided, single submitter. Criteria: Myriad Autosomal Dominant, Autosomal Recessive and X-Linked Classification Criteria (2023). Collection method: clinical testing. Allele origin: unknown.
Comment: This variant is considered benign. This variant is a silent/synonymous amino acid change and it is not expected to impact splicing.